The following is an entry in ClinVar:

ClinVar aggregate classification (germline): Uncertain significance (1 of 4 stars; one submission).

Conditions:
Cardiovascular phenotype. Identifiers: MedGen CN230736.

gnomAD v4.1: 2 of 1,549,824 alleles (0.00013%); highest among the groups gnomAD compares: Admixed American, 0.002%; no homozygotes.

Submission:

Ambry Genetics
Classification: Uncertain significance for Cardiovascular phenotype. Last evaluated: 2024-05-17. Review status: criteria provided, single submitter. Criteria: Ambry Variant Classification Scheme 2023. Collection method: clinical testing. Allele origin: germline.
Comment: The p.S349N variant (also known as c.1046G>A), located in coding exon 1 of the ZNF469 gene, results from a G to A substitution at nucleotide position 1046. The serine at codon 349 is replaced by asparagine, an amino acid with highly similar properties. This amino acid position is conserved. In addition, this alteration is predicted to be tolerated by in silico analysis. Based on the available evidence, the clinical significance of this variant remains unclear.

NM_001367624.2(ZNF469):c.1046G>A (p.Ser349Asn)

Gene: ZNF469 (zinc finger protein 469; plus strand). Cytogenetic location: 16q24.2.
Variant type: single nucleotide variant.
Coding change: c.1046G>A on transcript NM_001367624.2 (MANE Select); coding-DNA position 1046, G replaced by A.
Protein change: p.Ser349Asn; replaces serine 349 with asparagine.
Molecular consequence: missense variant.
Genome position (GRCh38, 1-based): chr16:88,428,516, G>A. VCF-style: chr16-88428516-G-A. GRCh37 (hg19) VCF-style: chr16-88494924-G-A.
Other names: NM_001127464.1:c.1046G>A; short protein forms S349N.
Identifiers: ClinVar variation 3258265 (VCV003258265.1).